The following is an entry in ClinVar:

ClinVar aggregate classification (germline): Uncertain significance (1 of 4 stars; one submission).

Submission:

GeneDx
Classification: Uncertain significance. Last evaluated: 2022-01-14. Review status: criteria provided, single submitter. Criteria: GeneDx Variant Classification Process June 2021. Collection method: clinical testing. Allele origin: germline. Affected: yes.
Comment: Not observed at significant frequency in large population cohorts (gnomAD); In silico analysis supports that this missense variant does not alter protein structure/function; Has not been previously published as pathogenic or benign to our knowledge

NM_001069.3(TUBB2A):c.79G>A (p.Glu27Lys)

Gene: TUBB2A (tubulin beta 2A class IIa; minus strand). Cytogenetic location: 6p25.2.
Variant type: single nucleotide variant.
Coding change: c.79G>A on transcript NM_001069.3 (MANE Select); coding-DNA position 79, G replaced by A.
Protein change: p.Glu27Lys; replaces glutamic acid 27 with lysine.
Molecular consequence: missense variant. On other transcripts: 5 prime UTR variant (1).
Genome position (GRCh38, 1-based): chr6:3,156,131, C>T on the plus strand (G>A on the coding strand, the complement: TUBB2A is on the minus strand). VCF-style: chr6-3156131-C-T. GRCh37 (hg19) VCF-style: chr6-3156365-C-T.
Other names: c.-309G>A (NM_001310315.2); short protein forms E27K.
Identifiers: ClinVar variation 1697131 (VCV001697131.2), dbSNP rs2113786576, ClinGen allele CA362593586.